The following is an entry in ClinVar:

ClinVar aggregate classification (germline): Uncertain significance (1 of 4 stars; one submission).

Conditions:
Combined immunodeficiency due to DOCK8 deficiency (HIES2). Also called: HIES autosomal recessive; HYPER-IgE RECURRENT INFECTION SYNDROME 2, AUTOSOMAL RECESSIVE; DOCK8 Deficiency; HYPER-IgE SYNDROME 2, AUTOSOMAL RECESSIVE, WITH RECURRENT INFECTIONS; Hyper-IgE recurrent infection syndrome, autosomal recessive. Identifiers: Orphanet 217390, MedGen C4722305, MONDO:0009478, OMIM 243700.

Allele frequency attached by ClinVar (database versions not stated): gnomAD 0.00001; gnomAD exomes 0.00001; TOPMed 0.00003; ESP Exome Variant Server 0.00008.
gnomAD v4.1: 4 of 1,614,046 alleles (0.00025%); highest among the groups gnomAD compares: African/African-American, 0.0053%; no homozygotes.

Submission:

Labcorp Genetics (formerly Invitae), Labcorp
Classification: Uncertain significance for Combined immunodeficiency due to DOCK8 deficiency. Last evaluated: 2024-02-01. Review status: criteria provided, single submitter. Criteria: Invitae Variant Classification Sherloc (09022015). Collection method: clinical testing. Allele origin: germline.
Comment: This sequence change replaces aspartic acid, which is acidic and polar, with tyrosine, which is neutral and polar, at codon 1879 of the DOCK8 protein (p.Asp1879Tyr). This variant is present in population databases (rs375488228, gnomAD 0.01%). This variant has not been reported in the literature in individuals affected with DOCK8-related conditions. ClinVar contains an entry for this variant (Variation ID: 1431349). Advanced modeling of protein sequence and biophysical properties (such as structural, functional, and spatial information, amino acid conservation, physicochemical variation, residue mobility, and thermodynamic stability) performed at Invitae indicates that this missense variant is not expected to disrupt DOCK8 protein function with a negative predictive value of 80%. In summary, the available evidence is currently insufficient to determine the role of this variant in disease. Therefore, it has been classified as a Variant of Uncertain Significance.

NM_203447.4(DOCK8):c.5635G>T (p.Asp1879Tyr)

Gene: DOCK8 (dedicator of cytokinesis 8; plus strand). Cytogenetic location: 9p24.3.
Variant type: single nucleotide variant.
Coding change: c.5635G>T on transcript NM_203447.4 (MANE Select); coding-DNA position 5635, G replaced by T.
Protein change: p.Asp1879Tyr; replaces aspartic acid 1879 with tyrosine.
Molecular consequence: missense variant.
Genome position (GRCh38, 1-based): chr9:446,424, G>T. VCF-style: chr9-446424-G-T. GRCh37 (hg19) VCF-style: chr9-446424-G-T.
Other names: c.5335G>T, p.Asp1779Tyr (NM_001190458.2); c.5431G>T, p.Asp1811Tyr (NM_001193536.2); short protein forms D1811Y, D1879Y, D1779Y.
Identifiers: ClinVar variation 1431349 (VCV001431349.6), dbSNP rs375488228, ClinGen allele CA187823680.